The following is an entry in ClinVar:

ClinVar aggregate classification (germline): Likely benign. Review status: criteria provided, multiple submitters, no conflicts (2 of 4 stars). 2 submissions from 2 submitters: Likely benign (2). Last evaluated 2024-09-01.

Allele frequency attached by ClinVar (database versions not stated): ExAC 0.00001; ESP Exome Variant Server 0.00008.

Submissions (2):

CeGaT Center for Human Genetics Tuebingen
Classification: Likely benign. Last evaluated: 2024-09-01. Review status: criteria provided, single submitter. Criteria: CeGaT Center For Human Genetics Tuebingen Variant Classification Criteria Version 2. Collection method: clinical testing. Allele origin: germline. Affected: yes. Observed: 1 variant allele.
Comment: MYO3A: PM2:Supporting, BP4, BP7

Labcorp Genetics (formerly Invitae), Labcorp
Classification: Likely benign. Last evaluated: 2022-04-15. Review status: criteria provided, single submitter. Criteria: Invitae Variant Classification Sherloc (09022015). Collection method: clinical testing. Allele origin: germline.

NM_017433.5(MYO3A):c.1692A>C (p.Val564=)

Gene: MYO3A (myosin IIIA; plus strand). Cytogenetic location: 10p12.1.
Variant type: single nucleotide variant.
Coding change: c.1692A>C on transcript NM_017433.5 (MANE Select); coding-DNA position 1692, A replaced by C.
Protein change: p.Val564=; no amino-acid change (valine 564 retained).
Molecular consequence: synonymous variant.
Genome position (GRCh38, 1-based): chr10:26,096,598, A>C. VCF-style: chr10-26096598-A-C. GRCh37 (hg19) VCF-style: chr10-26385527-A-C.
Identifiers: ClinVar variation 1955186 (VCV001955186.21), dbSNP rs145444024, ClinGen allele CA5444751.